The following is an entry in ClinVar:

ClinVar aggregate classification (germline): Uncertain significance (1 of 4 stars; one submission).

Conditions:
Hypercholesterolemia, autosomal dominant, 3 (FHCL3). Also called: Familial Hypercholesterolemia, Autosomal Dominant, 3; PCSK9-Related Familial Hypercholesterolemia, Autosomal Dominant; Familial hypercholesterolemia 3. Identifiers: MedGen C1863551, MONDO:0011369, OMIM 603776.

Submission:

Labcorp Genetics (formerly Invitae), Labcorp
Classification: Uncertain significance for Hypercholesterolemia, autosomal dominant, 3. Last evaluated: 2025-09-22. Review status: criteria provided, single submitter. Criteria: Invitae Variant Classification Sherloc (09022015). Collection method: clinical testing. Allele origin: germline.
Comment: This sequence change replaces serine, which is neutral and polar, with glycine, which is neutral and non-polar, at codon 221 of the PCSK9 protein (p.Ser221Gly). This variant is present in population databases (no rsID available, gnomAD 0.0009%). This variant has not been reported in the literature in individuals affected with PCSK9-related conditions. Invitae Evidence Modeling of protein sequence and biophysical properties (such as structural, functional, and spatial information, amino acid conservation, physicochemical variation, residue mobility, and thermodynamic stability) indicates that this missense variant is not expected to disrupt PCSK9 protein function with a negative predictive value of 80%. In summary, the available evidence is currently insufficient to determine the role of this variant in disease. Therefore, it has been classified as a Variant of Uncertain Significance.

NM_174936.4(PCSK9):c.661A>G (p.Ser221Gly)

Gene: PCSK9 (proprotein convertase subtilisin/kexin type 9; plus strand). Cytogenetic location: 1p32.3.
Variant type: single nucleotide variant.
Coding change: c.661A>G on transcript NM_174936.4 (MANE Select); coding-DNA position 661, A replaced by G.
Protein change: p.Ser221Gly; replaces serine 221 with glycine.
Molecular consequence: missense variant. On other transcripts: non-coding transcript variant (8).
Genome position (GRCh38, 1-based): chr1:55,052,653, A>G. VCF-style: chr1-55052653-A-G. GRCh37 (hg19) VCF-style: chr1-55518326-A-G.
Other names: c.784A>G, p.Ser262Gly (NM_001407240.1); c.661A>G, p.Ser221Gly (NM_001407241.1, NM_001407244.1, NM_001407247.1); c.664A>G, p.Ser222Gly (NM_001407242.1); c.604A>G, p.Ser202Gly (NM_001407243.1); c.469A>G, p.Ser157Gly (NM_001407245.1); c.286A>G, p.Ser96Gly (NM_001407246.1); short protein forms S157G, S202G, S222G, S96G, S221G, S262G.
Identifiers: ClinVar variation 4764491 (VCV004764491.1).